The following is an entry in ClinVar:

ClinVar aggregate classification (germline): Pathogenic (1 of 4 stars; one submission).

Conditions:
Mucopolysaccharidosis, MPS-IV-A (MPS4A). Also called: Morquio syndrome A, mild; MORQUIO SYNDROME A; GALACTOSAMINE-6-SULFATASE DEFICIENCY; GALNS DEFICIENCY; MORQUIO A DISEASE; Mucopolysaccharidosis type IV A. Identifiers: Orphanet 309297, Orphanet 582, MedGen C0086651, MONDO:0009659, OMIM 253000.

Submission:

Labcorp Genetics (formerly Invitae), Labcorp
Classification: Pathogenic for Mucopolysaccharidosis, MPS-IV-A. Last evaluated: 2023-02-21. Review status: criteria provided, single submitter. Criteria: Invitae Variant Classification Sherloc (09022015). Collection method: clinical testing. Allele origin: germline.
Comment: Algorithms developed to predict the effect of sequence changes on RNA splicing suggest that this variant may disrupt the consensus splice site. This sequence change creates a premature translational stop signal (p.Tyr170*) in the GALNS gene. It is expected to result in an absent or disrupted protein product. Loss-of-function variants in GALNS are known to be pathogenic (PMID: 12442278). This variant is not present in population databases (gnomAD no frequency). This variant has not been reported in the literature in individuals affected with GALNS-related conditions. For these reasons, this variant has been classified as Pathogenic.

Literature cited by the submitters: PubMed 12442278.

NM_000512.5(GALNS):c.510T>A (p.Tyr170Ter)

Gene: GALNS (galactosamine (N-acetyl)-6-sulfatase; minus strand). Cytogenetic location: 16q24.3.
Variant type: single nucleotide variant.
Coding change: c.510T>A on transcript NM_000512.5 (MANE Select); coding-DNA position 510, T replaced by A.
Protein change: p.Tyr170Ter; replaces tyrosine 170 with a stop codon.
Molecular consequence: nonsense. On other transcripts: 5 prime UTR variant (1).
Genome position (GRCh38, 1-based): chr16:88,837,678, A>T on the plus strand (T>A on the coding strand, the complement: GALNS is on the minus strand). VCF-style: chr16-88837678-A-T. GRCh37 (hg19) VCF-style: chr16-88904086-A-T.
Other names: c.-46T>A (NM_001323543.2); c.528T>A, p.Tyr176Ter (NM_001323544.2); short protein forms Y170*, Y176*.
Identifiers: ClinVar variation 2839482 (VCV002839482.3), dbSNP rs3743544, ClinGen allele CA397082848.
Genomic context (GRCh38, chr16:88,837,678, plus strand): 5'-TTACCTGCCAACCATCTCCCAGTCCCTGTACACAGGGATGTTGGGCCTGGCCTTGTTGTC[A>T]TAAGGTCCAAAGTGGCAGTTGGGGGATCCAAACCACTCATCAAATCCGTGCTTCAGGGGG-3'